The following is an entry in ClinVar:

NM_001374353.1(GLI2):c.1330G>A (p.Glu444Lys)

Gene: GLI2 (GLI family zinc finger 2; plus strand). Cytogenetic location: 2q14.2.
Variant type: single nucleotide variant.
Coding change: c.1330G>A on transcript NM_001374353.1 (MANE Select); coding-DNA position 1330, G replaced by A.
Protein change: p.Glu444Lys; replaces glutamic acid 444 with lysine.
Molecular consequence: missense variant.
Genome position (GRCh38, 1-based): chr2:120,978,446, G>A. VCF-style: chr2-120978446-G-A. GRCh37 (hg19) VCF-style: chr2-121736022-G-A.
Other names: c.1381G>A, p.Glu461Lys (NM_001371271.1, NM_005270.5); c.955G>A, p.Glu319Lys (NM_001374354.1); short protein forms E461K, E444K, E319K.
Identifiers: ClinVar variation 2038005 (VCV002038005.4), dbSNP rs1192219672, ClinGen allele CA348161392.

ClinVar aggregate classification (germline): Uncertain significance. Review status: criteria provided, multiple submitters, no conflicts (2 of 4 stars). 2 submissions from 2 submitters: Uncertain significance (2). Last evaluated 2024-01-01.

Conditions:
GLI2-related disorder. Also called: GLI2-related condition; GLI2-related disorders.
Postaxial polydactyly-anterior pituitary anomalies-facial dysmorphism syndrome. Also called: Culler-Jones syndrome. Identifiers: Orphanet 420584, MedGen C4014479, MONDO:0014369, OMIM 615849.
Holoprosencephaly 9 (HPE9). Also called: HOLOPROSENCEPHALY WITH MICROPHTHALMIA AND FIRST BRANCHIAL ARCH ANOMALIES; PITUITARY ANOMALIES WITH HOLOPROSENCEPHALY-LIKE FEATURES. Identifiers: Orphanet 2162, MedGen C1835819, MONDO:0012563, OMIM 610829.

Allele frequency attached by ClinVar (database versions not stated): gnomAD 0.00001; TOPMed 0.00001; gnomAD exomes 0.00002.

Submissions (2):

Daryl Scott Lab, Baylor College of Medicine
Classification: Uncertain significance for GLI2-related disorder. Last evaluated: 2024-01-01. Review status: criteria provided, single submitter. Criteria: ACMG Guidelines, 2015. Collection method: clinical testing. Allele origin: unknown. Observed: 1 heterozygote.
Comment: PM2

Labcorp Genetics (formerly Invitae), Labcorp
Classification: Uncertain significance for Postaxial polydactyly-anterior pituitary anomalies-facial dysmorphism syndrome; Holoprosencephaly 9. Last evaluated: 2022-02-03. Review status: criteria provided, single submitter. Criteria: Invitae Variant Classification Sherloc (09022015). Collection method: clinical testing. Allele origin: germline.
Comment: In summary, the available evidence is currently insufficient to determine the role of this variant in disease. Therefore, it has been classified as a Variant of Uncertain Significance. Algorithms developed to predict the effect of missense changes on protein structure and function are either unavailable or do not agree on the potential impact of this missense change (SIFT: "Deleterious"; PolyPhen-2: "Possibly Damaging"; Align-GVGD: "Class C15"). This variant is also known as c.346G>A, p.E116K. This missense change has been observed in individual(s) with GLI2-related conditions (PMID: 28191889). This variant is present in population databases (no rsID available, gnomAD 0.006%). This sequence change replaces glutamic acid, which is acidic and polar, with lysine, which is basic and polar, at codon 461 of the GLI2 protein (p.Glu461Lys).

Literature cited by the submitters: PubMed 28191889 (cited by Labcorp Genetics (formerly Invitae), Labcorp).